The following is an entry in ClinVar:

NM_001379403.1(WDR26):c.140G>A (p.Gly47Asp)

Gene: WDR26 (WD repeat domain 26; minus strand). Cytogenetic location: 1q42.12.
Variant type: single nucleotide variant.
Coding change: c.140G>A on transcript NM_001379403.1 (MANE Select); coding-DNA position 140, G replaced by A.
Protein change: p.Gly47Asp; replaces glycine 47 with aspartic acid.
Molecular consequence: missense variant. On other transcripts: 5 prime UTR variant (2).
Genome position (GRCh38, 1-based): chr1:224,434,266, C>T on the plus strand (G>A on the coding strand, the complement: WDR26 is on the minus strand). VCF-style: chr1-224434266-C-T. GRCh37 (hg19) VCF-style: chr1-224621968-C-T.
Other names: c.-161G>A (NM_001115113.3, NM_025160.7); short protein forms G47D.
Identifiers: ClinVar variation 2639936 (VCV002639936.24), dbSNP rs2464800009, ClinGen allele CA2650685446.

ClinVar aggregate classification (germline): Uncertain significance (1 of 4 stars; one submission).

Allele frequency attached by ClinVar (database versions not stated): gnomAD exomes below 0.00001.
gnomAD v4.1: 1 of 1,290,692 alleles (0.000077%); highest among the groups gnomAD compares: Non-Finnish European, 0.000098%; no homozygotes.

Submission:

CeGaT Center for Human Genetics Tuebingen
Classification: Uncertain significance. Last evaluated: 2022-07-01. Review status: criteria provided, single submitter. Criteria: CeGaT Center For Human Genetics Tuebingen Variant Classification Criteria Version 2. Collection method: clinical testing. Allele origin: germline. Affected: yes. Observed: 1 variant allele.
Comment: WDR26: PM2, PP2